The following is an entry in ClinVar:

NM_000051.4(ATM):c.3496C>T (p.Pro1166Ser)

Gene: ATM (ATM serine/threonine kinase; plus strand). Cytogenetic location: 11q22.3.
Variant type: single nucleotide variant.
Coding change: c.3496C>T on transcript NM_000051.4 (MANE Select); coding-DNA position 3496, C replaced by T.
Protein change: p.Pro1166Ser; replaces proline 1166 with serine.
Molecular consequence: missense variant.
Genome position (GRCh38, 1-based): chr11:108,281,088, C>T. VCF-style: chr11-108281088-C-T. GRCh37 (hg19) VCF-style: chr11-108151815-C-T.
Other names: c.3496C>T, p.Pro1166Ser (NM_001351834.2); short protein forms P1166S.
Identifiers: ClinVar variation 823843 (VCV000823843.7), dbSNP rs867360777, ClinGen allele CA228364992.
Genomic context (GRCh38, chr11:108,281,088, plus strand): 5'-GAAATTTATAATAGAAAATCTGTTTTACTGACGTTGATAGCTGTGGTTTTATCCTGTAGC[C>T]CTATCTGCGAAAAACAGGCTTTGTTTGCCCTGTGTAAATCTGTGAAAGAGAATGGATTAG-3'
Protein context (NP_000042.3, residues 1156-1176): TLIAVVLSCS[Pro1166Ser]ICEKQALFAL

ClinVar aggregate classification (germline): Uncertain significance. Review status: criteria provided, multiple submitters, no conflicts (2 of 4 stars). 2 submissions from 2 submitters: Uncertain significance (2). Last evaluated 2025-03-03.

Conditions:
Ataxia-telangiectasia syndrome (AT). Also called: ATAXIA-TELANGIECTASIA, COMPLEMENTATION GROUP A; ATAXIA-TELANGIECTASIA, FRESNO VARIANT; Ataxia-telangiectasia, complementation group E; Ataxia telangiectasia (A-T); LOUIS-BAR SYNDROME; Cerebello-oculocutaneous telangiectasia. Identifiers: Orphanet 100, MedGen C0004135, MONDO:0008840, OMIM 208900.
Hereditary cancer-predisposing syndrome. Also called: Neoplastic Syndromes, Hereditary; Hereditary Cancer Syndrome; Hereditary neoplastic syndrome; Tumor predisposition. Identifiers: Orphanet 140162, MedGen C0027672, MeSH D009386, MONDO:0015356.

Submissions (2):

Labcorp Genetics (formerly Invitae), Labcorp
Classification: Uncertain significance for Ataxia-telangiectasia syndrome. Last evaluated: 2025-03-03. Review status: criteria provided, single submitter. Criteria: Invitae Variant Classification Sherloc (09022015). Collection method: clinical testing. Allele origin: germline.
Comment: This sequence change replaces proline, which is neutral and non-polar, with serine, which is neutral and polar, at codon 1166 of the ATM protein (p.Pro1166Ser). This variant is not present in population databases (gnomAD no frequency). This variant has not been reported in the literature in individuals affected with ATM-related conditions. ClinVar contains an entry for this variant (Variation ID: 823843). Invitae Evidence Modeling of protein sequence and biophysical properties (such as structural, functional, and spatial information, amino acid conservation, physicochemical variation, residue mobility, and thermodynamic stability) indicates that this missense variant is not expected to disrupt ATM protein function with a negative predictive value of 95%. In summary, the available evidence is currently insufficient to determine the role of this variant in disease. Therefore, it has been classified as a Variant of Uncertain Significance.

Ambry Genetics
Classification: Uncertain significance for Hereditary cancer-predisposing syndrome. Last evaluated: 2022-09-04. Review status: criteria provided, single submitter. Criteria: Ambry Variant Classification Scheme 2023. Collection method: clinical testing. Allele origin: germline.
Comment: The p.P1166S variant (also known as c.3496C>T), located in coding exon 23 of the ATM gene, results from a C to T substitution at nucleotide position 3496. The proline at codon 1166 is replaced by serine, an amino acid with similar properties. This amino acid position is highly conserved in available vertebrate species. In addition, the in silico prediction for this alteration is inconclusive. Since supporting evidence is limited at this time, the clinical significance of this alteration remains unclear.